The following is an entry in ClinVar:

NM_032638.5(GATA2):c.1221C>A (p.Ser407Arg)

Gene: GATA2 (GATA binding protein 2; minus strand). Cytogenetic location: 3q21.3.
Variant type: single nucleotide variant.
Coding change: c.1221C>A on transcript NM_032638.5 (MANE Select); coding-DNA position 1221, C replaced by A.
Protein change: p.Ser407Arg; replaces serine 407 with arginine.
Molecular consequence: missense variant.
Genome position (GRCh38, 1-based): chr3:128,481,241, G>T on the plus strand (C>A on the coding strand, the complement: GATA2 is on the minus strand). VCF-style: chr3-128481241-G-T. GRCh37 (hg19) VCF-style: chr3-128200084-G-T.
Other names: c.1221C>A, p.Ser407Arg (NM_001145661.2); c.1179C>A, p.Ser393Arg (NM_001145662.1); short protein forms S393R, S407R.
Identifiers: ClinVar variation 1013940 (VCV001013940.8), dbSNP rs2068624284, ClinGen allele CA354413098.

ClinVar aggregate classification (germline): Uncertain significance (1 of 4 stars; one submission).

Conditions:
Deafness-lymphedema-leukemia syndrome. Also called: Lymphedema, primary, with myelodysplasia; Emberger syndrome. Identifiers: Orphanet 3226, MedGen C3279664, MONDO:0013540, OMIM 614038.
Monocytopenia with susceptibility to infections. Also called: MONOCYTOPENIA AND MYCOBACTERIAL INFECTION SYNDROME; MONOCYTOPENIA WITH SUSCEPTIBILITY TO MYCOBACTERIAL, FUNGAL, AND PAPILLOMAVIRUS INFECTIONS AND MYELODYSPLASIA; COMBINED IMMUNODEFICIENCY WITH SUSCEPTIBILITY TO MYCOBACTERIAL, VIRAL, AND FUNGAL INFECTIONS; IMMUNODEFICIENCY 21; GATA2 DEFICIENCY; Dendritic cell, monocyte, B lymphocyte, and natural killer lymphocyte deficiency. Identifiers: Orphanet 228423, MedGen C3280030, MONDO:0013607, OMIM 614172.

Submission:

Labcorp Genetics (formerly Invitae), Labcorp
Classification: Uncertain significance for Monocytopenia with susceptibility to infections; Deafness-lymphedema-leukemia syndrome. Last evaluated: 2020-09-20. Review status: criteria provided, single submitter. Criteria: Invitae Variant Classification Sherloc (09022015). Collection method: clinical testing. Allele origin: germline.
Comment: In summary, the available evidence is currently insufficient to determine the role of this variant in disease. Therefore, it has been classified as a Variant of Uncertain Significance. Algorithms developed to predict the effect of missense changes on protein structure and function (SIFT, PolyPhen-2, Align-GVGD) all suggest that this variant is likely to be tolerated, but these predictions have not been confirmed by published functional studies and their clinical significance is uncertain. This variant has not been reported in the literature in individuals with GATA2-related conditions. This variant is not present in population databases (ExAC no frequency). This sequence change replaces serine with arginine at codon 407 of the GATA2 protein (p.Ser407Arg). The serine residue is moderately conserved and there is a moderate physicochemical difference between serine and arginine.